The following is an entry in ClinVar:

ClinVar aggregate classification (germline): Uncertain significance (1 of 4 stars; one submission).

gnomAD v4.1: 1 of 1,607,594 alleles (0.000062%); highest among the groups gnomAD compares: African/African-American, 0.0013%; no homozygotes.

Submission:

GeneDx
Classification: Uncertain significance. Last evaluated: 2024-08-14. Review status: criteria provided, single submitter. Criteria: GeneDx Variant Classification Process June 2021. Collection method: clinical testing. Allele origin: germline. Affected: yes.
Comment: Not observed at significant frequency in large population cohorts (gnomAD); In silico analysis supports that this missense variant has a deleterious effect on protein structure/function; Has not been previously published as pathogenic or benign to our knowledge

NM_057175.5(NAA15):c.1342T>A (p.Cys448Ser)

Gene: NAA15 (N-alpha-acetyltransferase 15, NatA auxiliary subunit; plus strand). Cytogenetic location: 4q31.1.
Variant type: single nucleotide variant.
Coding change: c.1342T>A on transcript NM_057175.5 (MANE Select); coding-DNA position 1342, T replaced by A.
Protein change: p.Cys448Ser; replaces cysteine 448 with serine.
Molecular consequence: missense variant.
Genome position (GRCh38, 1-based): chr4:139,359,827, T>A. VCF-style: chr4-139359827-T-A. GRCh37 (hg19) VCF-style: chr4-140280981-T-A.
Other names: c.1342T>A, p.Cys448Ser (NM_001410842.1); short protein forms C448S.
Identifiers: ClinVar variation 3731038 (VCV003731038.1).